The following is an entry in ClinVar:

NM_053025.4(MYLK):c.3748C>T (p.Arg1250Cys)

Gene: MYLK (myosin light chain kinase; minus strand). Cytogenetic location: 3q21.1.
Variant type: single nucleotide variant.
Coding change: c.3748C>T on transcript NM_053025.4 (MANE Select); coding-DNA position 3748, C replaced by T.
Protein change: p.Arg1250Cys; replaces arginine 1250 with cysteine.
Molecular consequence: missense variant.
Genome position (GRCh38, 1-based): chr3:123,666,302, G>A on the plus strand (C>T on the coding strand, the complement: MYLK is on the minus strand). VCF-style: chr3-123666302-G-A. GRCh37 (hg19) VCF-style: chr3-123385149-G-A.
Other names: c.3220C>T, p.Arg1074Cys (NM_001321309.2); c.3541C>T, p.Arg1181Cys (NM_053026.4, NM_053028.4); c.3748C>T, p.Arg1250Cys (NM_053027.4); short protein forms R1181C, R1074C, R1250C.
Identifiers: ClinVar variation 960527 (VCV000960527.15), dbSNP rs141481369, ClinGen allele CA070142.

ClinVar aggregate classification (germline): Uncertain significance. Review status: criteria provided, multiple submitters, no conflicts (2 of 4 stars). 3 submissions from 3 submitters: Uncertain significance (3). Last evaluated 2025-05-15.

Conditions:
Familial thoracic aortic aneurysm and aortic dissection (TAAD). Also called: Thoracic aortic aneurysms and dissections. Identifiers: Orphanet 91387, MedGen C4707243, MONDO:0019625.
Aortic aneurysm, familial thoracic 7 (AAT7). Also called: AORTIC DISSECTION, FAMILIAL, WITH OR WITHOUT AORTIC ANEURYSM. Identifiers: MedGen C3151077, MONDO:0013418, OMIM 613780.

Allele frequency attached by ClinVar (database versions not stated): gnomAD 0.00004 and 0.00005; TOPMed 0.00005; gnomAD exomes 0.00007; ExAC 0.00012; ESP Exome Variant Server 0.00015.
gnomAD v4.1: 92 of 1,614,090 alleles (0.0057%); highest among the groups gnomAD compares: South Asian, 0.043%; 2 homozygotes.

Submissions (3):

Labcorp Genetics (formerly Invitae), Labcorp
Classification: Uncertain significance for Aortic aneurysm, familial thoracic 7. Last evaluated: 2025-05-15. Review status: criteria provided, single submitter. Criteria: Invitae Variant Classification Sherloc (09022015). Collection method: clinical testing. Allele origin: germline.
Comment: This sequence change replaces arginine, which is basic and polar, with cysteine, which is neutral and slightly polar, at codon 1250 of the MYLK protein (p.Arg1250Cys). This variant is present in population databases (rs141481369, gnomAD 0.03%). This variant has not been reported in the literature in individuals affected with MYLK-related conditions. ClinVar contains an entry for this variant (Variation ID: 960527). Invitae Evidence Modeling of protein sequence and biophysical properties (such as structural, functional, and spatial information, amino acid conservation, physicochemical variation, residue mobility, and thermodynamic stability) indicates that this missense variant is not expected to disrupt MYLK protein function with a negative predictive value of 80%. In summary, the available evidence is currently insufficient to determine the role of this variant in disease. Therefore, it has been classified as a Variant of Uncertain Significance.

Ambry Genetics
Classification: Uncertain significance for Familial thoracic aortic aneurysm and aortic dissection. Last evaluated: 2024-06-20. Review status: criteria provided, single submitter. Criteria: Ambry Variant Classification Scheme 2023. Collection method: clinical testing. Allele origin: germline.
Comment: The p.R1250C variant (also known as c.3748C>T), located in coding exon 19 of the MYLK gene, results from a C to T substitution at nucleotide position 3748. The arginine at codon 1250 is replaced by cysteine, an amino acid with highly dissimilar properties. This amino acid position is well conserved in available vertebrate species. In addition, the in silico prediction for this alteration is inconclusive. Based on the available evidence, the clinical significance of this variant remains unclear.

GeneDx
Classification: Uncertain significance. Last evaluated: 2024-06-05. Review status: criteria provided, single submitter. Criteria: GeneDx Variant Classification Process June 2021. Collection method: clinical testing. Allele origin: germline. Affected: yes.
Comment: Has not been previously published as pathogenic or benign to our knowledge; In silico analysis supports that this missense variant has a deleterious effect on protein structure/function